The following is an entry in ClinVar:

NM_015000.4(STK38L):c.18G>T (p.Gly6=)

Gene: STK38L (serine/threonine kinase 38 like; plus strand). Cytogenetic location: 12p11.23.
Variant type: single nucleotide variant.
Coding change: c.18G>T on transcript NM_015000.4 (MANE Select); coding-DNA position 18, G replaced by T.
Protein change: p.Gly6=; no amino-acid change (glycine 6 retained).
Molecular consequence: synonymous variant.
Genome position (GRCh38, 1-based): chr12:27,297,738, G>T. VCF-style: chr12-27297738-G-T. GRCh37 (hg19) VCF-style: chr12-27450671-G-T.
Other names: NC_000012.11:g.27450671G>T.
Identifiers: ClinVar variation 786605 (VCV000786605.7), dbSNP rs56140810, ClinGen allele CA6491906.

ClinVar aggregate classification (germline): Benign. Review status: criteria provided, multiple submitters, no conflicts (2 of 4 stars). 3 submissions from 3 submitters: Benign (2). 1 of the submissions does not count toward it. Last evaluated 2017-11-27.

Conditions:
STK38L-related disorder. Also called: STK38L-related condition.

Allele frequency attached by ClinVar (database versions not stated): gnomAD exomes 0.00671; gnomAD 0.02568 and 0.02757; ExAC 0.00830; 1000 Genomes Project 0.02476; TOPMed 0.02846; 1000 Genomes Project 30x 0.02811; ESP Exome Variant Server 0.02983.
gnomAD v4.1: 7,654 of 1,613,786 alleles (0.47%); highest among the groups gnomAD compares: African/African-American, 8.7%; 304 homozygotes.

Submissions (6):

Labcorp Genetics (formerly Invitae), Labcorp
Classification: Benign. Last evaluated: 2017-11-27. Review status: criteria provided, single submitter. Criteria: Invitae Variant Classification Sherloc (09022015). Collection method: clinical testing. Allele origin: germline.

Breakthrough Genomics
Classification: Benign. Review status: criteria provided, single submitter. Criteria: ACMG Guidelines, 2015. Collection method: not provided. Allele origin: germline. Inheritance: Unknown mechanism. Affected: yes.

PreventionGenetics, part of Exact Sciences
Classification: Benign for STK38L-related condition. Last evaluated: 2019-06-26. Review status: no assertion criteria provided. Collection method: clinical testing. Allele origin: germline. Not counted in ClinVar's aggregate classification.
Comment: This variant is classified as benign based on ACMG/AMP sequence variant interpretation guidelines (Richards et al. 2015 PMID: 25741868, with internal and published modifications).

Dr. Peter K. Rogan Lab, Western University
No classification provided (evidence only). Condition: Uterine corpus endometrial carcinoma. Review status: no classification provided. Collection method: in vitro. Allele origin: not applicable. Functional consequence: retained intron. Not counted in ClinVar's aggregate classification.

Dr. Peter K. Rogan Lab, Western University
No classification provided (evidence only). Condition: Cholangiocarcinoma. Review status: no classification provided. Collection method: in vitro. Allele origin: not applicable. Functional consequence: skipped exon. Not counted in ClinVar's aggregate classification.

Dr. Peter K. Rogan Lab, Western University
No classification provided (evidence only). Condition: Ovarian serous cystadenocarcinoma. Review status: no classification provided. Collection method: in vitro. Allele origin: not applicable. Functional consequence: skipped exon, retained intron. Not counted in ClinVar's aggregate classification.